The following is an entry in ClinVar:

ClinVar aggregate classification (germline): Pathogenic (1 of 4 stars; one submission).

Conditions:
Kabuki syndrome. Also called: Kabuki make-up syndrome; NIIKAWA-KUROKI SYNDROME. Identifiers: Orphanet 2322, MedGen C0796004, MONDO:0016512.

Submission:

Labcorp Genetics (formerly Invitae), Labcorp
Classification: Pathogenic for Kabuki syndrome. Last evaluated: 2024-02-07. Review status: criteria provided, single submitter. Criteria: Invitae Variant Classification Sherloc (09022015). Collection method: clinical testing. Allele origin: germline.
Comment: This sequence change creates a premature translational stop signal (p.Ser2251*) in the KMT2D gene. It is expected to result in an absent or disrupted protein product. Loss-of-function variants in KMT2D are known to be pathogenic (PMID: 22126750). This variant is not present in population databases (gnomAD no frequency). This variant has not been reported in the literature in individuals affected with KMT2D-related conditions. For these reasons, this variant has been classified as Pathogenic.

Literature cited by the submitters: PubMed 22126750.

NM_003482.4(KMT2D):c.6752C>A (p.Ser2251Ter)

Gene: KMT2D (lysine methyltransferase 2D; minus strand). Cytogenetic location: 12q13.12.
Variant type: single nucleotide variant.
Coding change: c.6752C>A on transcript NM_003482.4 (MANE Select); coding-DNA position 6752, C replaced by A.
Protein change: p.Ser2251Ter; replaces serine 2251 with a stop codon.
Molecular consequence: nonsense.
Genome position (GRCh38, 1-based): chr12:49,041,018, G>T on the plus strand (C>A on the coding strand, the complement: KMT2D is on the minus strand). VCF-style: chr12-49041018-G-T. GRCh37 (hg19) VCF-style: chr12-49434801-G-T.
Other names: short protein forms S2251*.
Identifiers: ClinVar variation 3639516 (VCV003639516.2).